The following is an entry in ClinVar:

NM_000343.4(SLC5A1):c.1581G>A (p.Leu527=)

Gene: SLC5A1 (solute carrier family 5 member 1; plus strand). Cytogenetic location: 22q12.3.
Variant type: single nucleotide variant.
Coding change: c.1581G>A on transcript NM_000343.4 (MANE Select); coding-DNA position 1581, G replaced by A.
Protein change: p.Leu527=; no amino-acid change (leucine 527 retained).
Molecular consequence: synonymous variant.
Genome position (GRCh38, 1-based): chr22:32,102,153, G>A. VCF-style: chr22-32102153-G-A. GRCh37 (hg19) VCF-style: chr22-32498140-G-A.
Other names: p.Leu527=; c.1200G>A, p.Leu400= (NM_001256314.2).
Identifiers: ClinVar variation 2770008 (VCV002770008.4), dbSNP rs33939337, ClinGen allele CA10198259.

ClinVar aggregate classification (germline): Likely benign. Review status: criteria provided, multiple submitters, no conflicts (2 of 4 stars). 2 submissions from 2 submitters: Likely benign (2). Last evaluated 2025-09-18.

Conditions:
Congenital glucose-galactose malabsorption (GGM). Also called: MONOSACCHARIDE MALABSORPTION; DIARRHEA 16. Identifiers: Orphanet 35710, MedGen C0268186, MONDO:0011731, OMIM 606824.

Allele frequency attached by ClinVar (database versions not stated): ExAC 0.00001.
gnomAD v4.1: 1 of 1,613,906 alleles (0.000062%); highest among the groups gnomAD compares: African/African-American, 0.0013%; no homozygotes.

Submissions (2):

Mayo Clinic Laboratories, Mayo Clinic
Classification: Likely benign. Last evaluated: 2025-09-18. Review status: criteria provided, single submitter. Criteria: ACMG Guidelines, 2015. Collection method: clinical testing. Allele origin: germline. Observed: 1 variant allele.
Comment: BP4, BP7

Labcorp Genetics (formerly Invitae), Labcorp
Classification: Likely benign for Congenital glucose-galactose malabsorption. Last evaluated: 2023-10-18. Review status: criteria provided, single submitter. Criteria: Invitae Variant Classification Sherloc (09022015). Collection method: clinical testing. Allele origin: germline.